The following is an entry in ClinVar:

NM_015072.5(TTLL5):c.3706G>A (p.Val1236Met)

Gene: TTLL5 (tubulin tyrosine ligase like 5; plus strand). Cytogenetic location: 14q24.3.
Variant type: single nucleotide variant.
Coding change: c.3706G>A on transcript NM_015072.5 (MANE Select); coding-DNA position 3706, G replaced by A.
Protein change: p.Val1236Met; replaces valine 1236 with methionine.
Molecular consequence: missense variant.
Genome position (GRCh38, 1-based): chr14:75,882,868, G>A. VCF-style: chr14-75882868-G-A. GRCh37 (hg19) VCF-style: chr14-76349211-G-A.
Other names: short protein forms V1236M.
Identifiers: ClinVar variation 2114719 (VCV002114719.4), dbSNP rs753751587, ClinGen allele CA390537119.

ClinVar aggregate classification (germline): Uncertain significance (1 of 4 stars; one submission).

Submission:

Labcorp Genetics (formerly Invitae), Labcorp
Classification: Uncertain significance. Last evaluated: 2022-03-19. Review status: criteria provided, single submitter. Criteria: Invitae Variant Classification Sherloc (09022015). Collection method: clinical testing. Allele origin: germline.
Comment: This sequence change replaces valine, which is neutral and non-polar, with methionine, which is neutral and non-polar, at codon 1236 of the TTLL5 protein (p.Val1236Met). This variant is not present in population databases (gnomAD no frequency). This variant has not been reported in the literature in individuals affected with TTLL5-related conditions. Algorithms developed to predict the effect of missense changes on protein structure and function output the following: SIFT: "Deleterious"; PolyPhen-2: "Benign"; Align-GVGD: "Class C0". The methionine amino acid residue is found in multiple mammalian species, which suggests that this missense change does not adversely affect protein function. In summary, the available evidence is currently insufficient to determine the role of this variant in disease. Therefore, it has been classified as a Variant of Uncertain Significance.